The following is an entry in ClinVar:

NM_001037.5(SCN1B):c.173C>T (p.Thr58Ile)

Gene: SCN1B (sodium voltage-gated channel beta subunit 1; plus strand). Cytogenetic location: 19q13.11.
Variant type: single nucleotide variant.
Coding change: c.173C>T on transcript NM_001037.5 (MANE Select); coding-DNA position 173, C replaced by T.
Protein change: p.Thr58Ile; replaces threonine 58 with isoleucine.
Molecular consequence: missense variant.
Genome position (GRCh38, 1-based): chr19:35,032,660, C>T. VCF-style: chr19-35032660-C-T. GRCh37 (hg19) VCF-style: chr19-35523564-C-T.
Other names: c.74C>T, p.Thr25Ile (NM_001321605.2); c.173C>T, p.Thr58Ile (NM_199037.5); short protein forms T58I, T25I.
Identifiers: ClinVar variation 959079 (VCV000959079.9), dbSNP rs2064221831, ClinGen allele CA405328266.

ClinVar aggregate classification (germline): Uncertain significance (1 of 4 stars; one submission).

Conditions:
Brugada syndrome 5 (BRGDA5). Identifiers: Orphanet 130, Orphanet 871, MedGen C2748541, MONDO:0013015, OMIM 612838.

gnomAD v4.1: 1 of 1,614,096 alleles (0.000062%); highest among the groups gnomAD compares: Non-Finnish European, 0.000085%; no homozygotes.

Submission:

Labcorp Genetics (formerly Invitae), Labcorp
Classification: Uncertain significance for Brugada syndrome 5. Last evaluated: 2019-08-09. Review status: criteria provided, single submitter. Criteria: Invitae Variant Classification Sherloc (09022015). Collection method: clinical testing. Allele origin: germline.
Comment: This sequence change replaces threonine with isoleucine at codon 58 of the SCN1B protein (p.Thr58Ile). The threonine residue is highly conserved and there is a moderate physicochemical difference between threonine and isoleucine. This variant is not present in population databases (ExAC no frequency). This variant has not been reported in the literature in individuals with SCN1B-related conditions. Algorithms developed to predict the effect of missense changes on protein structure and function are either unavailable or do not agree on the potential impact of this missense change (SIFT: "Tolerated"; PolyPhen-2: "Possibly Damaging"; Align-GVGD: "Class C0"). In summary, the available evidence is currently insufficient to determine the role of this variant in disease. Therefore, it has been classified as a Variant of Uncertain Significance.